The following is an entry in ClinVar:

ClinVar aggregate classification (germline): Likely benign. Review status: criteria provided, multiple submitters, no conflicts (2 of 4 stars). 3 submissions from 3 submitters: Likely benign (3). Last evaluated 2026-09-01.

Conditions:
Inborn genetic diseases. Identifiers: MedGen C0950123, MeSH D030342.

Allele frequency attached by ClinVar (database versions not stated): 1000 Genomes Project 0.00060; 1000 Genomes Project 30x 0.00062; TOPMed 0.00133; ESP Exome Variant Server 0.00146; gnomAD 0.00227 and 0.00231; gnomAD exomes 0.00252; ExAC 0.00360.
gnomAD v4.1: 3,291 of 1,610,362 alleles (0.2%); highest among the groups gnomAD compares: South Asian, 0.36%; 18 homozygotes.

Submissions (6):

CeGaT Center for Human Genetics Tuebingen
Classification: Likely benign. Last evaluated: 2026-09-01. Review status: criteria provided, single submitter. Criteria: CeGaT Center For Human Genetics Tuebingen Variant Classification Criteria Version 2. Collection method: clinical testing. Allele origin: germline. Affected: yes. Observed: 3 variant alleles.
Comment: OGDHL: BS2

Ambry Genetics
Classification: Likely benign for Inborn genetic diseases. Last evaluated: 2017-01-16. Review status: criteria provided, single submitter. Criteria: Ambry Autosomal Dominant and X-Linked criteria (10/2015). Collection method: clinical testing. Allele origin: germline. Observed: 1 variant allele.

Breakthrough Genomics
Classification: Likely benign. Review status: criteria provided, single submitter. Criteria: ACMG Guidelines, 2015. Collection method: not provided. Allele origin: germline. Inheritance: Autosomal recessive inheritance. Affected: yes.

Dr. Peter K. Rogan Lab, Western University
No classification provided (evidence only). Condition: Clear cell carcinoma of kidney. Review status: no classification provided. Collection method: in vitro. Allele origin: not applicable. Functional consequence: retained intron. Not counted in ClinVar's aggregate classification.

Dr. Peter K. Rogan Lab, Western University
No classification provided (evidence only). Condition: Familial cancer of breast. Review status: no classification provided. Collection method: in vitro. Allele origin: not applicable. Functional consequence: retained intron. Not counted in ClinVar's aggregate classification.

Dr. Peter K. Rogan Lab, Western University
No classification provided (evidence only). Condition: Ovarian serous cystadenocarcinoma. Review status: no classification provided. Collection method: in vitro. Allele origin: not applicable. Functional consequence: retained intron. Not counted in ClinVar's aggregate classification.

NM_018245.3(OGDHL):c.886A>T (p.Met296Leu)

Gene: OGDHL (oxoglutarate dehydrogenase L; minus strand). Cytogenetic location: 10q11.23.
Variant type: single nucleotide variant.
Coding change: c.886A>T on transcript NM_018245.3 (MANE Select); coding-DNA position 886, A replaced by T.
Protein change: p.Met296Leu; replaces methionine 296 with leucine.
Molecular consequence: missense variant. On other transcripts: 5 prime UTR variant (1), non-coding transcript variant (5).
Genome position (GRCh38, 1-based): chr10:49,750,849, T>A on the plus strand (A>T on the coding strand, the complement: OGDHL is on the minus strand). VCF-style: chr10-49750849-T-A. GRCh37 (hg19) VCF-style: chr10-50958895-T-A.
Other names: NC_000010.10:g.50958895T>A; c.715A>T, p.Met239Leu (NM_001143996.2, NM_001347820.1); c.259A>T, p.Met87Leu (NM_001143997.2, NM_001347821.2, NM_001347822.1 and 1 more transcripts); c.886A>T, p.Met296Leu (NM_001347819.1, NM_001347823.1, NM_001347824.2); c.-41A>T (NM_001347826.1); short protein forms M296L, M87L, M239L.
Identifiers: ClinVar variation 225003 (VCV000225003.13), dbSNP rs150231967, ClinGen allele CA358050.